The following is an entry in ClinVar:

ClinVar aggregate classification (germline): Uncertain significance. Review status: criteria provided, multiple submitters, no conflicts (2 of 4 stars). 2 submissions from 2 submitters: Uncertain significance (2). Last evaluated 2025-01-09.

Allele frequency attached by ClinVar (database versions not stated): TOPMed 0.00003; ExAC 0.00006; gnomAD 0.00002; ESP Exome Variant Server 0.00008; gnomAD exomes 0.00004.
gnomAD v4.1: 61 of 1,613,088 alleles (0.0038%); highest among the groups gnomAD compares: Middle Eastern, 0.016%; no homozygotes.

Submissions (2):

ARUP Laboratories, Molecular Genetics and Genomics, ARUP Laboratories
Classification: Uncertain significance. Last evaluated: 2025-01-09. Review status: criteria provided, single submitter. Criteria: ARUP Molecular Germline Variant Investigation Process 2024. Collection method: clinical testing. Allele origin: germline.
Comment: The SPINK1 c.-14G>A variant (rs373391756, ClinVar Variation ID 996244) is reported in the literature in at least one individual affected with chronic pancreatitis (Hegyi 2016). This variant is found in the general population with an overall allele frequency of 0.004% (12/281390 alleles) in the Genome Aggregation Database (v2.1.1). In vitro functional analyses are conflicting and demonstrate that this variant has either decreased (Derikx 2015, Hegyi 2016) or increased promoter activity (Derikx 2015). This variant occurs in the 5' untranslated region and does not create a novel protein translation start codon. Due to limited and conflicting information, the clinical significance of this variant is uncertain at this time. References: Derikx MH et al. Functional significance of SPINK1 promoter variants in chronic pancreatitis. Am J Physiol Gastrointest Liver Physiol. 2015 May 1;308(9):G779-84. PMID: 25792561. Hegyi E et al. SPINK1 Promoter Variants in Chronic Pancreatitis. Pancreas. 2016 Jan;45(1):148-53. PMID: 26348468.

Women's Health and Genetics/Laboratory Corporation of America, LabCorp
Classification: Uncertain significance. Last evaluated: 2021-01-25. Review status: criteria provided, single submitter. Criteria: LabCorp Variant Classification Summary - May 2015. Collection method: clinical testing. Allele origin: germline.
Comment: Variant summary: SPINK1 c.-14G>A is located in the untranslated mRNA region upstream of the initiation codon. The variant allele was found at a frequency of 4.4e-05 in 249980 control chromosomes (gnomAD). This frequency is not significantly higher than expected for a pathogenic variant in SPINK1 causing Chronic Pancreatitis Risk (4.4e-05 vs 0.005), allowing no conclusion about variant significance. c.-14G>A has been reported in the literature in at least an individual affected with Alcoholic Chronic Pancreatitis (Hegyi_2016). This report however, does not provide unequivocal conclusions about association of the variant with Chronic Pancreatitis Risk. In functional lucifierase assays, the variant was found to have varying activities (compared to wild type) depending on cell type (Hegyi_2016, Derikx_2015). Therefore, these results were not conclusive. No clinical diagnostic laboratories have submitted clinical-significance assessments for this variant to ClinVar after 2014. Based on the evidence outlined above, the variant was classified as uncertain significance.

Literature cited by the submitters: PubMed 25792561 (cited by Women's Health and Genetics/Laboratory Corporation of America, LabCorp); PubMed 26348468 (cited by Women's Health and Genetics/Laboratory Corporation of America, LabCorp).

NM_001379610.1(SPINK1):c.-14G>A

Gene: SPINK1 (serine peptidase inhibitor Kazal type 1; minus strand). Cytogenetic location: 5q32.
Variant type: single nucleotide variant.
Coding change: c.-14G>A on transcript NM_001379610.1 (MANE Select); 14 bases upstream of the start codon, G replaced by A.
Molecular consequence: 5 prime UTR variant.
Genome position (GRCh38, 1-based): chr5:147,831,591, C>T on the plus strand (G>A on the coding strand, the complement: SPINK1 is on the minus strand). VCF-style: chr5-147831591-C-T. GRCh37 (hg19) VCF-style: chr5-147211154-C-T.
Other names: c.-14G>A (NM_001354966.2, NM_003122.5).
Identifiers: ClinVar variation 996244 (VCV000996244.2), dbSNP rs373391756, ClinGen allele CA3494836.
Genomic context (GRCh38, chr5:147,831,591, plus strand): 5'-CTCAACAGGGCCAAGGCACTGAGAAGAAAGATGCCTGTTACCTTCATGGCTGAAGTTCTG[C>T]GTCCAGAGGTCAGTTGAAAACTGCACCGCACTTACCACGTCTCTTCAGAAGCCTGGGACT-3'